The following is an entry in ClinVar:

ClinVar aggregate classification (germline): Uncertain significance (1 of 4 stars; one submission).

Submission:

Labcorp Genetics (formerly Invitae), Labcorp
Classification: Uncertain significance. Last evaluated: 2020-06-11. Review status: criteria provided, single submitter. Criteria: Invitae Variant Classification Sherloc (09022015). Collection method: clinical testing. Allele origin: germline.
Comment: This sequence change replaces tryptophan with serine at codon 668 of the P3H2 protein (p.Trp668Ser). The tryptophan residue is highly conserved and there is a large physicochemical difference between tryptophan and serine. This variant is not present in population databases (ExAC no frequency). This variant has not been reported in the literature in individuals with P3H2-related conditions. Algorithms developed to predict the effect of missense changes on protein structure and function are either unavailable or do not agree on the potential impact of this missense change (SIFT: "Deleterious"; PolyPhen-2: "Probably Damaging"; Align-GVGD: "Class C0"). In summary, the available evidence is currently insufficient to determine the role of this variant in disease. Therefore, it has been classified as a Variant of Uncertain Significance.

NM_018192.4(P3H2):c.2003G>C (p.Trp668Ser)

Gene: P3H2 (prolyl 3-hydroxylase 2; minus strand). Cytogenetic location: 3q28.
Variant type: single nucleotide variant.
Coding change: c.2003G>C on transcript NM_018192.4 (MANE Select); coding-DNA position 2003, G replaced by C.
Protein change: p.Trp668Ser; replaces tryptophan 668 with serine.
Molecular consequence: missense variant.
Genome position (GRCh38, 1-based): chr3:189,963,989, C>G on the plus strand (G>C on the coding strand, the complement: P3H2 is on the minus strand). VCF-style: chr3-189963989-C-G. GRCh37 (hg19) VCF-style: chr3-189681778-C-G.
Other names: c.1460G>C, p.Trp487Ser (NM_001134418.2); short protein forms W487S, W668S.
Identifiers: ClinVar variation 1021679 (VCV001021679.5), dbSNP rs1577241673, ClinGen allele CA355751823.